The following is an entry in ClinVar:

ClinVar aggregate classification (germline): Uncertain significance (1 of 4 stars; one submission).

Allele frequency attached by ClinVar (database versions not stated): gnomAD 0.00001; TOPMed below 0.00001; ExAC 0.00001; gnomAD exomes 0.00001.
gnomAD v4.1: 12 of 1,614,082 alleles (0.00074%); highest among the groups gnomAD compares: East Asian, 0.0022%; no homozygotes.

Submission:

Labcorp Genetics (formerly Invitae), Labcorp
Classification: Uncertain significance. Last evaluated: 2025-04-17. Review status: criteria provided, single submitter. Criteria: Invitae Variant Classification Sherloc (09022015). Collection method: clinical testing. Allele origin: germline.
Comment: This sequence change replaces isoleucine, which is neutral and non-polar, with threonine, which is neutral and polar, at codon 445 of the ALPK1 protein (p.Ile445Thr). This variant is present in population databases (rs771264638, gnomAD 0.006%). This variant has not been reported in the literature in individuals affected with ALPK1-related conditions. ClinVar contains an entry for this variant (Variation ID: 2991513). Invitae Evidence Modeling of protein sequence and biophysical properties (such as structural, functional, and spatial information, amino acid conservation, physicochemical variation, residue mobility, and thermodynamic stability) indicates that this missense variant is not expected to disrupt ALPK1 protein function with a negative predictive value of 80%. In summary, the available evidence is currently insufficient to determine the role of this variant in disease. Therefore, it has been classified as a Variant of Uncertain Significance.

NM_025144.4(ALPK1):c.1334T>C (p.Ile445Thr)

Gene: ALPK1 (alpha kinase 1; plus strand). Cytogenetic location: 4q25.
Variant type: single nucleotide variant.
Coding change: c.1334T>C on transcript NM_025144.4 (MANE Select); coding-DNA position 1334, T replaced by C.
Protein change: p.Ile445Thr; replaces isoleucine 445 with threonine.
Molecular consequence: missense variant.
Genome position (GRCh38, 1-based): chr4:112,430,881, T>C. VCF-style: chr4-112430881-T-C. GRCh37 (hg19) VCF-style: chr4-113352037-T-C.
Other names: c.1334T>C, p.Ile445Thr (NM_001102406.2); c.1100T>C, p.Ile367Thr (NM_001253884.2); short protein forms I445T, I367T.
Identifiers: ClinVar variation 2991513 (VCV002991513.3), dbSNP rs771264638, ClinGen allele CA3046712.